The following is an entry in ClinVar:

NM_001004334.4(GPR179):c.*613G>C

Gene: GPR179 (G protein-coupled receptor 179; minus strand). Cytogenetic location: 17q12.
Variant type: single nucleotide variant.
Coding change: c.*613G>C on transcript NM_001004334.4 (MANE Select); 613 bases downstream of the stop codon, G replaced by C.
Molecular consequence: 3 prime UTR variant.
Genome position (GRCh38, 1-based): chr17:38,325,852, C>G on the plus strand (G>C on the coding strand, the complement: GPR179 is on the minus strand). VCF-style: chr17-38325852-C-G. GRCh37 (hg19) VCF-style: chr17-36481735-C-G.
Identifiers: ClinVar variation 322955 (VCV000322955.5), dbSNP rs59996277, ClinGen allele CA10645517.

ClinVar aggregate classification (germline): Benign (1 of 4 stars; one submission).

Conditions:
Congenital stationary night blindness 1E. Also called: Night blindness, congenital stationary (complete), 1E, autosomal recessive. Identifiers: Orphanet 215, MedGen C3281215, MONDO:0013807, OMIM 614565.

Allele frequency attached by ClinVar (database versions not stated): gnomAD 0.01355 and 0.01442; TOPMed 0.01474; 1000 Genomes Project 0.01737; 1000 Genomes Project 30x 0.01968.

Submission:

Illumina Laboratory Services, Illumina
Classification: Benign for Congenital stationary night blindness 1E. Last evaluated: 2018-01-12. Review status: criteria provided, single submitter. Criteria: ICSL Variant Classification Criteria 13 December 2019. Collection method: clinical testing. Allele origin: germline.
Comment: This variant was observed in the ICSL laboratory as part of a predisposition screen in an ostensibly healthy population. It had not been previously curated by ICSL or reported in the Human Gene Mutation Database (HGMD: prior to June 1st, 2018), and was therefore a candidate for classification through an automated scoring system. Utilizing variant allele frequency, disease prevalence and penetrance estimates, and inheritance mode, an automated score was calculated to assess if this variant is too frequent to cause the disease. Based on the score and internal cut-off values, a variant classified as benign is not then subjected to further curation. The score for this variant resulted in a classification of benign for this disease.